The following is an entry in ClinVar:

NM_004656.4(BAP1):c.1789A>C (p.Ser597Arg)

Gene: BAP1 (BRCA1 associated deubiquitinase 1; minus strand). Cytogenetic location: 3p21.1.
Variant type: single nucleotide variant.
Coding change: c.1789A>C on transcript NM_004656.4 (MANE Select); coding-DNA position 1789, A replaced by C.
Protein change: p.Ser597Arg; replaces serine 597 with arginine.
Molecular consequence: missense variant.
Genome position (GRCh38, 1-based): chr3:52,403,239, T>G on the plus strand (A>C on the coding strand, the complement: BAP1 is on the minus strand). VCF-style: chr3-52403239-T-G. GRCh37 (hg19) VCF-style: chr3-52437255-T-G.
Other names: short protein forms S597R.
Identifiers: ClinVar variation 924065 (VCV000924065.9), dbSNP rs1705025915, ClinGen allele CA353098845.
Genomic context (GRCh38, chr3:52,403,239, plus strand): 5'-TCACCATCCCCGTCTTCTCTCTGCTGTCCGTGGCTTCCACGACCTCCTTCTCCACTGGGC[T>G]GCTGGACCCCTGGCTGCCTTGGATTGGTCTGATGGAGGGCGAGGAACCCTTCCCACCCTC-3'
Protein context (NP_004647.1, residues 587-607): RPIQGSQGSS[Ser597Arg]PVEKEVVEAT

ClinVar aggregate classification (germline): Uncertain significance. Review status: criteria provided, multiple submitters, no conflicts (2 of 4 stars). 2 submissions from 2 submitters: Uncertain significance (2). Last evaluated 2024-03-06.

Conditions:
BAP1-related tumor predisposition syndrome (TPDS1). Also called: Tumor susceptibility linked to germline BAP1 mutations; COMMON Syndrome; TUMOR PREDISPOSITION SYNDROME 1; BAP1 tumor predisposition syndrome. Identifiers: Orphanet 289539, MedGen C3280492, MONDO:0013692, OMIM 614327.
Hereditary cancer-predisposing syndrome. Also called: Neoplastic Syndromes, Hereditary; Tumor predisposition; Hereditary Cancer Syndrome; Hereditary neoplastic syndrome. Identifiers: Orphanet 140162, MedGen C0027672, MeSH D009386, MONDO:0015356.

Submissions (2):

Color Diagnostics, LLC DBA Color Health
Classification: Uncertain significance for Hereditary cancer-predisposing syndrome. Last evaluated: 2024-03-06. Review status: criteria provided, single submitter. Criteria: ACMG Guidelines, 2015. Collection method: clinical testing. Allele origin: germline.
Comment: This missense variant replaces serine with arginine at codon 597 of the BAP1 protein. Computational prediction tool suggests that this variant may not impact protein structure and function (internally defined REVEL score threshold <=0.5, PMID: 27666373). Splice site prediction tools suggest that this variant may not impact RNA splicing. To our knowledge, functional studies have not been performed for this variant. This variant has not been reported in individuals affected with hereditary cancer in the literature. This variant has not been identified in the general population by the Genome Aggregation Database (gnomAD). The available evidence is insufficient to determine the role of this variant in disease conclusively. Therefore, this variant is classified as a Variant of Uncertain Significance.

Labcorp Genetics (formerly Invitae), Labcorp
Classification: Uncertain significance for BAP1-related tumor predisposition syndrome. Last evaluated: 2023-10-11. Review status: criteria provided, single submitter. Criteria: Invitae Variant Classification Sherloc (09022015). Collection method: clinical testing. Allele origin: germline.
Comment: This sequence change replaces serine, which is neutral and polar, with arginine, which is basic and polar, at codon 597 of the BAP1 protein (p.Ser597Arg). This variant is not present in population databases (gnomAD no frequency). This variant has not been reported in the literature in individuals affected with BAP1-related conditions. ClinVar contains an entry for this variant (Variation ID: 924065). Advanced modeling of protein sequence and biophysical properties (such as structural, functional, and spatial information, amino acid conservation, physicochemical variation, residue mobility, and thermodynamic stability) performed at Invitae indicates that this missense variant is not expected to disrupt BAP1 protein function. In summary, the available evidence is currently insufficient to determine the role of this variant in disease. Therefore, it has been classified as a Variant of Uncertain Significance.